The following is an entry in ClinVar:

NM_000553.6(WRN):c.1695del (p.Asp566fs)

Gene: WRN (WRN RecQ like helicase; plus strand). Cytogenetic location: 8p12.
Variant type: Deletion.
Coding change: c.1695del on transcript NM_000553.6 (MANE Select); coding-DNA position 1695, one base deleted (A; older notation c.1695delA).
Protein change: p.Asp566fs; shifts the reading frame from aspartic acid 566.
Molecular consequence: frameshift variant.
Genome position (GRCh38, 1-based): chr8:31,090,507, A deleted. VCF-style (leftmost placement, unchanged base first): chr8-31090506-GA-G. GRCh37 (hg19) VCF-style: chr8-30948022-GA-G.
Other names: short protein forms D566fs.
Identifiers: ClinVar variation 1454514 (VCV001454514.6), dbSNP rs2130171351, ClinGen allele CA2573142726.

ClinVar aggregate classification (germline): Pathogenic (1 of 4 stars; one submission).

Conditions:
Werner syndrome (WRN). Identifiers: Orphanet 902, MedGen C0043119, MONDO:0010196, OMIM 277700.

Submission:

Labcorp Genetics (formerly Invitae), Labcorp
Classification: Pathogenic for Werner syndrome. Last evaluated: 2024-04-08. Review status: criteria provided, single submitter. Criteria: Invitae Variant Classification Sherloc (09022015). Collection method: clinical testing. Allele origin: germline.
Comment: This sequence change creates a premature translational stop signal (p.Asp566Ilefs*23) in the WRN gene. It is expected to result in an absent or disrupted protein product. Loss-of-function variants in WRN are known to be pathogenic (PMID: 16673358). This variant is not present in population databases (gnomAD no frequency). This variant has not been reported in the literature in individuals affected with WRN-related conditions. ClinVar contains an entry for this variant (Variation ID: 1454514). For these reasons, this variant has been classified as Pathogenic.

Literature cited by the submitters: PubMed 16673358.